The following is an entry in ClinVar:

ClinVar aggregate classification (germline): Pathogenic (1 of 4 stars; one submission).

Submission:

Labcorp Genetics (formerly Invitae), Labcorp
Classification: Pathogenic. Last evaluated: 2020-04-12. Review status: criteria provided, single submitter. Criteria: Invitae Variant Classification Sherloc (09022015). Collection method: clinical testing. Allele origin: germline.
Comment: This sequence change replaces glycine with aspartic acid at codon 1164 of the COL4A5 protein (p.Gly1164Asp). The glycine residue is highly conserved and there is a moderate physicochemical difference between glycine and aspartic acid. This variant is not present in population databases (ExAC no frequency). This variant has been observed in individual(s) with clinical features of Alport syndrome (PMID: 24304881, Invitae). Glycine residues within the Gly-Xaa-Yaa repeats of the triple helix domain are required for the structure and stability of fibrillar collagens (PMID: 7695699, 8218237, 19344236). In COL4A5, missense variants at these glycine residues are significantly enriched in individuals with disease (PMID: 23720012, 27627812) compared to the general population (ExAC). This variant disrupts the p.Gly1164 amino acid residue in COL4A5. Other variant(s) that disrupt this residue have been observed in individuals with COL4A5-related conditions (PMID: 29270492), which suggests that this may be a clinically significant amino acid residue. For these reasons, this variant has been classified as Pathogenic.

Literature cited by the submitters: PubMed 24304881; PubMed 7695699; PubMed 8218237; PubMed 19344236; PubMed 23720012; PubMed 27627812; PubMed 29270492.

NM_033380.3(COL4A5):c.3491G>A (p.Gly1164Asp)

Gene: COL4A5 (collagen type IV alpha 5 chain; plus strand). Cytogenetic location: Xq22.3.
Variant type: single nucleotide variant.
Coding change: c.3491G>A on transcript NM_033380.3 (MANE Select); coding-DNA position 3491, G replaced by A.
Protein change: p.Gly1164Asp; replaces glycine 1164 with aspartic acid.
Molecular consequence: missense variant.
Genome position (GRCh38, 1-based): chrX:108,666,532, G>A. VCF-style: chrX-108666532-G-A. GRCh37 (hg19) VCF-style: chrX-107909762-G-A.
Other names: c.3491G>A, p.Gly1164Asp (NM_000495.5); short protein forms G1164D.
Identifiers: ClinVar variation 1070190 (VCV001070190.9), dbSNP rs2147955072, ClinGen allele CA413847734.